The following is an entry in ClinVar:

ClinVar aggregate classification (germline): Uncertain significance (1 of 4 stars; one submission).

Submission:

GeneDx
Classification: Uncertain significance. Last evaluated: 2023-03-21. Review status: criteria provided, single submitter. Criteria: GeneDx Variant Classification Process June 2021. Collection method: clinical testing. Allele origin: germline. Affected: yes.
Comment: Not observed at significant frequency in large population cohorts (gnomAD); In silico analysis supports that this missense variant has a deleterious effect on protein structure/function; Has not been previously published as pathogenic or benign to our knowledge

NM_152703.5(SAMD9L):c.3600A>C (p.Glu1200Asp)

Gene: SAMD9L (sterile alpha motif domain containing 9 like; minus strand). Cytogenetic location: 7q21.2.
Variant type: single nucleotide variant.
Coding change: c.3600A>C on transcript NM_152703.5 (MANE Select); coding-DNA position 3600, A replaced by C.
Protein change: p.Glu1200Asp; replaces glutamic acid 1200 with aspartic acid.
Molecular consequence: missense variant.
Genome position (GRCh38, 1-based): chr7:93,132,372, T>G on the plus strand (A>C on the coding strand, the complement: SAMD9L is on the minus strand). VCF-style: chr7-93132372-T-G. GRCh37 (hg19) VCF-style: chr7-92761685-T-G.
Other names: c.3600A>C, p.Glu1200Asp (NM_001303496.3, NM_001303497.3, NM_001303498.3 and 5 more transcripts); short protein forms E1200D.
Identifiers: ClinVar variation 2580596 (VCV002580596.1), dbSNP rs2535410947, ClinGen allele CA368181263.